The following is an entry in ClinVar:

ClinVar aggregate classification (germline): Uncertain significance (1 of 4 stars; one submission).

Submission:

Labcorp Genetics (formerly Invitae), Labcorp
Classification: Uncertain significance. Last evaluated: 2025-04-20. Review status: criteria provided, single submitter. Criteria: Invitae Variant Classification Sherloc (09022015). Collection method: clinical testing. Allele origin: germline.
Comment: This sequence change replaces valine, which is neutral and non-polar, with glycine, which is neutral and non-polar, at codon 388 of the CAMK2B protein (p.Val388Gly). This variant is not present in population databases (gnomAD no frequency). This variant has not been reported in the literature in individuals affected with CAMK2B-related conditions. An algorithm developed to predict the effect of missense changes on protein structure and function (PolyPhen-2) suggests that this variant is likely to be tolerated. In summary, the available evidence is currently insufficient to determine the role of this variant in disease. Therefore, it has been classified as a Variant of Uncertain Significance.

NM_001220.5(CAMK2B):c.1163T>G (p.Val388Gly)

Gene: CAMK2B (calcium/calmodulin dependent protein kinase II beta; minus strand). Cytogenetic location: 7p13.
Variant type: single nucleotide variant.
Coding change: c.1163T>G on transcript NM_001220.5 (MANE Select); coding-DNA position 1163, T replaced by G.
Protein change: p.Val388Gly; replaces valine 388 with glycine.
Molecular consequence: missense variant. On other transcripts: intron variant (3).
Genome position (GRCh38, 1-based): chr7:44,232,835, A>C on the plus strand (T>G on the coding strand, the complement: CAMK2B is on the minus strand). VCF-style: chr7-44232835-A-C. GRCh37 (hg19) VCF-style: chr7-44272434-A-C.
Other names: c.1163T>G, p.Val388Gly (NM_001293170.2, NM_172078.3); c.1091T>G, p.Val364Gly (NM_172079.3, NM_172082.3); c.1088T>G, p.Val363Gly (NM_172080.3); c.946+7872T>G (NM_172084.3); c.988-1781T>G (NM_172083.3); c.1059+1555T>G (NM_172081.3); short protein forms V363G, V364G, V388G.
Identifiers: ClinVar variation 4717949 (VCV004717949.1).